The following is an entry in ClinVar:

NM_003072.5(SMARCA4):c.4888G>C (p.Asp1630His)

Gene: SMARCA4 (SWI/SNF related BAF chromatin remodeling complex subunit ATPase 4; plus strand). Cytogenetic location: 19p13.2.
Variant type: single nucleotide variant.
Coding change: c.4888G>C on transcript NM_003072.5 (MANE Select); coding-DNA position 4888, G replaced by C.
Protein change: p.Asp1630His; replaces aspartic acid 1630 with histidine.
Molecular consequence: missense variant. On other transcripts: non-coding transcript variant (1).
Genome position (GRCh38, 1-based): chr19:11,060,164, G>C. VCF-style: chr19-11060164-G-C. GRCh37 (hg19) VCF-style: chr19-11170840-G-C.
Other names: c.4885G>C, p.Asp1629His (NM_001411150.1); c.4888G>C, p.Asp1630His (NM_001128844.3); c.4798G>C, p.Asp1600His (NM_001128845.2); c.4795G>C, p.Asp1599His (NM_001128846.2); c.4789G>C, p.Asp1597His (NM_001128847.4, NM_001374457.1); c.4786G>C, p.Asp1596His (NM_001128848.2); c.4984G>C, p.Asp1662His (NM_001128849.3, NM_001387283.1); short protein forms D1599H, D1597H, D1600H, D1662H, D1596H, D1629H, D1630H.
Identifiers: ClinVar variation 2711110 (VCV002711110.3), dbSNP rs1600649515, ClinGen allele CA404080932.

ClinVar aggregate classification (germline): Uncertain significance (1 of 4 stars; one submission).

Conditions:
Rhabdoid tumor predisposition syndrome 2 (RTPS2). Identifiers: Orphanet 231108, Orphanet 69077, MedGen C2750074, MONDO:0013224, OMIM 613325.

Submission:

Labcorp Genetics (formerly Invitae), Labcorp
Classification: Uncertain significance for Rhabdoid tumor predisposition syndrome 2. Last evaluated: 2024-01-25. Review status: criteria provided, single submitter. Criteria: Invitae Variant Classification Sherloc (09022015). Collection method: clinical testing. Allele origin: germline.
Comment: This sequence change replaces aspartic acid, which is acidic and polar, with histidine, which is basic and polar, at codon 1662 of the SMARCA4 protein (p.Asp1662His). This variant is not present in population databases (gnomAD no frequency). This variant has not been reported in the literature in individuals affected with SMARCA4-related conditions. Advanced modeling of protein sequence and biophysical properties (such as structural, functional, and spatial information, amino acid conservation, physicochemical variation, residue mobility, and thermodynamic stability) performed at Invitae indicates that this missense variant is expected to disrupt SMARCA4 protein function with a positive predictive value of 95%. In summary, the available evidence is currently insufficient to determine the role of this variant in disease. Therefore, it has been classified as a Variant of Uncertain Significance.